The following is an entry in ClinVar:

NM_006031.6(PCNT):c.5543A>G (p.Glu1848Gly)

Gene: PCNT (pericentrin; plus strand). Cytogenetic location: 21q22.3.
Variant type: single nucleotide variant.
Coding change: c.5543A>G on transcript NM_006031.6 (MANE Select); coding-DNA position 5543, A replaced by G.
Protein change: p.Glu1848Gly; replaces glutamic acid 1848 with glycine.
Molecular consequence: missense variant.
Genome position (GRCh38, 1-based): chr21:46,411,616, A>G. VCF-style: chr21-46411616-A-G. GRCh37 (hg19) VCF-style: chr21-47831530-A-G.
Other names: c.5189A>G, p.Glu1730Gly (NM_001315529.2); short protein forms E1848G, E1730G.
Identifiers: ClinVar variation 211865 (VCV000211865.13), dbSNP rs201943167, ClinGen allele CA209227.

ClinVar aggregate classification (germline): Uncertain significance. Review status: criteria provided, multiple submitters, no conflicts (2 of 4 stars). 3 submissions from 3 submitters: Uncertain significance (3). Last evaluated 2021-08-31.

Conditions:
Microcephalic osteodysplastic primordial dwarfism type II (MOPD2). Also called: MOPD II; OSTEODYSPLASTIC PRIMORDIAL DWARFISM, TYPE II; Microcephalic osteodysplastic primordial dwarfism with tooth abnormalities. Identifiers: Orphanet 2637, MedGen C0432246, MONDO:0008872, OMIM 210720.

Allele frequency attached by ClinVar (database versions not stated): gnomAD 0.00001; gnomAD exomes 0.00001; TOPMed 0.00003.
gnomAD v4.1: 24 of 1,612,952 alleles (0.0015%); highest among the groups gnomAD compares: East Asian, 0.047%; no homozygotes.

Submissions (3):

Labcorp Genetics (formerly Invitae), Labcorp
Classification: Uncertain significance. Last evaluated: 2021-08-31. Review status: criteria provided, single submitter. Criteria: Invitae Variant Classification Sherloc (09022015). Collection method: clinical testing. Allele origin: germline.
Comment: This sequence change replaces glutamic acid with glycine at codon 1848 of the PCNT protein (p.Glu1848Gly). The glutamic acid residue is highly conserved and there is a moderate physicochemical difference between glutamic acid and glycine. This variant is present in population databases (rs201943167, ExAC 0.02%). This variant has not been reported in the literature in individuals affected with PCNT-related conditions. ClinVar contains an entry for this variant (Variation ID: 211865). Algorithms developed to predict the effect of missense changes on protein structure and function are either unavailable or do not agree on the potential impact of this missense change (SIFT: "Deleterious"; PolyPhen-2: "Possibly Damaging"; Align-GVGD: "Class C15"). In summary, the available evidence is currently insufficient to determine the role of this variant in disease. Therefore, it has been classified as a Variant of Uncertain Significance.

Illumina Laboratory Services, Illumina
Classification: Uncertain significance for Microcephalic osteodysplastic primordial dwarfism type II. Last evaluated: 2018-01-13. Review status: criteria provided, single submitter. Criteria: ICSL Variant Classification Criteria 13 December 2019. Collection method: clinical testing. Allele origin: germline.

Genetic Services Laboratory, University of Chicago
Classification: Uncertain significance. Last evaluated: 2014-10-22. Review status: criteria provided, single submitter. Criteria: ACMG Guidelines, 2015. Collection method: clinical testing. Allele origin: germline.